The following is an entry in ClinVar:

NM_001378609.3(OTOGL):c.6626C>T (p.Thr2209Ile)

Gene: OTOGL (otogelin like; plus strand). Cytogenetic location: 12q21.31.
Variant type: single nucleotide variant.
Coding change: c.6626C>T on transcript NM_001378609.3 (MANE Select); coding-DNA position 6626, C replaced by T.
Protein change: p.Thr2209Ile; replaces threonine 2209 with isoleucine.
Molecular consequence: missense variant.
Genome position (GRCh38, 1-based): chr12:80,370,580, C>T. VCF-style: chr12-80370580-C-T. GRCh37 (hg19) VCF-style: chr12-80764360-C-T.
Other names: c.6491C>T, p.Thr2164Ile (NM_001368062.3); c.6626C>T, p.Thr2209Ile (NM_001378610.3, NM_173591.7); short protein forms T2200I, T2164I, T2209I.
Identifiers: ClinVar variation 226971 (VCV000226971.21), dbSNP rs146572555, ClinGen allele CA6702094.

ClinVar aggregate classification (germline): Benign/Likely benign. Review status: criteria provided, multiple submitters, no conflicts (2 of 4 stars). 6 submissions from 6 submitters: Benign (1); Likely benign (4). 1 of the submissions does not count toward it. Last evaluated 2026-01-27.

Conditions:
OTOGL-related disorder. Also called: OTOGL-related condition.

Allele frequency attached by ClinVar (database versions not stated): gnomAD 0.00096; ExAC 0.00102; ESP Exome Variant Server 0.00123; TOPMed 0.00179; 1000 Genomes Project 0.00280; 1000 Genomes Project 30x 0.00297.
gnomAD v4.1: 1,183 of 1,534,932 alleles (0.077%); highest among the groups gnomAD compares: Middle Eastern, 0.8%; 8 homozygotes.

Submissions (6):

Labcorp Genetics (formerly Invitae), Labcorp
Classification: Likely benign. Last evaluated: 2026-01-27. Review status: criteria provided, single submitter. Criteria: Invitae Variant Classification Sherloc (09022015). Collection method: clinical testing. Allele origin: germline.

Blueprint Genetics
Classification: Likely benign. Last evaluated: 2024-11-13. Review status: criteria provided, single submitter. Criteria: ACMG Guidelines, 2015. Collection method: clinical testing. Allele origin: germline.

GeneDx
Classification: Likely benign. Last evaluated: 2020-11-03. Review status: criteria provided, single submitter. Criteria: GeneDx Variant Classification Process June 2021. Collection method: clinical testing. Allele origin: germline. Affected: yes.

Laboratory for Molecular Medicine, Mass General Brigham Personalized Medicine
Classification: Benign. Last evaluated: 2014-11-24. Review status: criteria provided, single submitter. Criteria: LMM Criteria. Collection method: clinical testing. Allele origin: germline. Observed: 6 variant alleles.
Comment: Thr2200Ile in exon 55 of OTOGL: This variant is not expected to have clinical si gnificance because it has been identified in 4.6% (9/194) of Luhya (Kenyan) chro mosomes from a broad population by the 1000 Genomes Project (.; dbSNP rs146572555).

Breakthrough Genomics
Classification: Likely benign. Review status: criteria provided, single submitter. Criteria: ACMG Guidelines, 2015. Collection method: not provided. Allele origin: germline. Inheritance: Autosomal recessive inheritance. Affected: yes.

PreventionGenetics, part of Exact Sciences
Classification: Likely benign for OTOGL-related condition. Last evaluated: 2023-07-17. Review status: no assertion criteria provided. Collection method: clinical testing. Allele origin: germline. Not counted in ClinVar's aggregate classification.
Comment: This variant is classified as likely benign based on ACMG/AMP sequence variant interpretation guidelines (Richards et al. 2015 PMID: 25741868, with internal and published modifications).